The following is an entry in ClinVar:

NM_001035.3(RYR2):c.4683+264G>C

Gene: RYR2 (ryanodine receptor 2; plus strand). Cytogenetic location: 1q43.
Variant type: single nucleotide variant.
Coding change: c.4683+264G>C on transcript NM_001035.3 (MANE Select); 264 bases into the intron after coding-DNA position 4683, G replaced by C.
Molecular consequence: intron variant.
Genome position (GRCh38, 1-based): chr1:237,602,375, G>C. VCF-style: chr1-237602375-G-C. GRCh37 (hg19) VCF-style: chr1-237765675-G-C.
Identifiers: ClinVar variation 683783 (VCV000683783.1), dbSNP rs955882, ClinGen allele CA10827239.

ClinVar aggregate classification (germline): Benign (1 of 4 stars; one submission).

Allele frequency attached by ClinVar (database versions not stated): 1000 Genomes Project 30x 0.33807; 1000 Genomes Project 0.34006; gnomAD 0.40178; TOPMed 0.39774.
gnomAD v4.1: 60,547 of 151,746 alleles (40%); highest among the groups gnomAD compares: Admixed American, 51%; 13,328 homozygotes.

Submission:

GeneDx
Classification: Benign. Last evaluated: 2018-06-18. Review status: criteria provided, single submitter. Criteria: GeneDx Variant Classification (06012015). Collection method: clinical testing. Allele origin: germline. Affected: yes.
Comment: This variant is considered likely benign or benign based on one or more of the following criteria: it is a conservative change, it occurs at a poorly conserved position in the protein, it is predicted to be benign by multiple in silico algorithms, and/or has population frequency not consistent with disease.